The following is an entry in ClinVar:

NM_007294.4(BRCA1):c.632G>A (p.Gly211Glu)

Gene: BRCA1 (BRCA1 DNA repair associated; minus strand). Cytogenetic location: 17q21.31.
Variant type: single nucleotide variant.
Coding change: c.632G>A on transcript NM_007294.4 (MANE Select); coding-DNA position 632, G replaced by A.
Protein change: p.Gly211Glu; replaces glycine 211 with glutamic acid.
Molecular consequence: missense variant. On other transcripts: intron variant (115).
Genome position (GRCh38, 1-based): chr17:43,095,884, C>T on the plus strand (G>A on the coding strand, the complement: BRCA1 is on the minus strand). VCF-style: chr17-43095884-C-T. GRCh37 (hg19) VCF-style: chr17-41247901-C-T.
Other names: c.419G>A, p.Gly140Glu (NM_001407571.1, NM_001407853.1, NM_001407894.1 and 12 more transcripts); c.632G>A, p.Gly211Glu (NM_001407581.1, NM_001407582.1, NM_001407583.1 and 59 more transcripts); c.629G>A, p.Gly210Glu (NM_001407587.1, NM_001407590.1, NM_001407591.1 and 41 more transcripts); c.623G>A, p.Gly208Glu (NM_001407646.1, NM_001407647.1, NM_001408408.1); c.554G>A, p.Gly185Glu (NM_001407653.1, NM_001407654.1, NM_001407655.1 and 9 more transcripts); c.551G>A, p.Gly184Glu (NM_001407659.1, NM_001407660.1, NM_001407661.1 and 3 more transcripts); c.491G>A, p.Gly164Glu (NM_001407692.1, NM_001407694.1, NM_001407695.1 and 43 more transcripts); c.488G>A, p.Gly163Glu (NM_001407740.1, NM_001407741.1, NM_001407742.1 and 26 more transcripts); and 17 more; short protein forms G141E, G164E, G166E, G208E, G163E, G211E, G184E, G210E.
Identifiers: ClinVar variation 2851737 (VCV002851737.3), dbSNP rs2054112741, ClinGen allele CA10600840.

ClinVar aggregate classification (germline): Uncertain significance (1 of 4 stars; one submission).

Conditions:
Hereditary breast ovarian cancer syndrome. Also called: Hereditary breast and ovarian cancer syndrome (HBOC); Hereditary breast and ovarian cancer syndrome; Breast and ovarian cancer; BRCA1- and BRCA2-Associated Hereditary Breast and Ovarian Cancer; Hereditary breast and ovarian cancer; Hereditary breast and/or ovarian cancer syndrome. Identifiers: Orphanet 145, MedGen C0677776, MeSH D061325, MONDO:0003582. Disease mechanism: loss of function.

Submission:

Labcorp Genetics (formerly Invitae), Labcorp
Classification: Uncertain significance for Hereditary breast ovarian cancer syndrome. Last evaluated: 2023-12-13. Review status: criteria provided, single submitter. Criteria: Invitae Variant Classification Sherloc (09022015). Collection method: clinical testing. Allele origin: germline.
Comment: This sequence change replaces glycine, which is neutral and non-polar, with glutamic acid, which is acidic and polar, at codon 211 of the BRCA1 protein (p.Gly211Glu). This variant is not present in population databases (gnomAD no frequency). This variant has not been reported in the literature in individuals affected with BRCA1-related conditions. Advanced modeling of protein sequence and biophysical properties (such as structural, functional, and spatial information, amino acid conservation, physicochemical variation, residue mobility, and thermodynamic stability) performed at Invitae indicates that this missense variant is not expected to disrupt BRCA1 protein function with a negative predictive value of 95%. In summary, the available evidence is currently insufficient to determine the role of this variant in disease. Therefore, it has been classified as a Variant of Uncertain Significance.